The following is an entry in ClinVar:

NM_006214.4(PHYH):c.1A>G (p.Met1Val)

Genes: PHYH (phytanoyl-CoA 2-hydroxylase; minus strand), LOC130003374 (ATAC-STARR-seq lymphoblastoid silent region 2152; plus strand). Cytogenetic location: 10p13.
Variant type: single nucleotide variant.
Coding change: c.1A>G on transcript NM_006214.4 (MANE Select); coding-DNA position 1, A replaced by G.
Protein change: p.Met1Val; changes the start codon (methionine 1).
Molecular consequence: missense variant, initiator codon variant.
Genome position (GRCh38, 1-based): chr10:13,300,042, T>C on the plus strand (A>G on the coding strand, the complement: PHYH is on the minus strand). VCF-style: chr10-13300042-T-C. GRCh37 (hg19) VCF-style: chr10-13342042-T-C.
Other names: c.1A>G, p.Met1Val (NM_001323082.2, NM_001323083.2); short protein forms M1V.
Identifiers: ClinVar variation 4882547 (VCV004882547.3).

ClinVar aggregate classification (germline): Conflicting classifications of pathogenicity. Review status: criteria provided, conflicting classifications (1 of 4 stars). 2 submissions from 2 submitters: Likely pathogenic (1); Uncertain significance (1). Last evaluated 2025-04-10.

Conditions:
PHYH-related disorder. Also called: PHYH-related condition.

Submissions (2):

Dasa
Classification: Uncertain significance. Last evaluated: 2025-04-10. Review status: criteria provided, single submitter. Criteria: DASA Assertion Criteria. Collection method: clinical testing. Allele origin: germline.
Comment: NM_006214.4(PHYH):c.1A>G (p.Met1?) is a start-loss variant predicted to alter the translation initiation codon and impair normal protein translation. This variant is rare in population databases. The currently available literature and clinical evidence are not sufficient to establish a definitive association between this variant and the reported condition. Therefore, this variant is classified as a variant of uncertain significance.

Blueprint Genetics
Classification: Likely pathogenic for PHYH-related disorders. Last evaluated: 2024-06-04. Review status: criteria provided, single submitter. Criteria: ACMG Guidelines, 2015. Collection method: clinical testing. Allele origin: germline. Affected: yes. Observed: 3 variant alleles.